The following is an entry in ClinVar:

NM_173551.5(ANKS6):c.2214G>A (p.Thr738=)

Gene: ANKS6 (ankyrin repeat and sterile alpha motif domain containing 6; minus strand). Cytogenetic location: 9q22.33.
Variant type: single nucleotide variant.
Coding change: c.2214G>A on transcript NM_173551.5 (MANE Select); coding-DNA position 2214, G replaced by A.
Protein change: p.Thr738=; no amino-acid change (threonine 738 retained).
Molecular consequence: synonymous variant.
Genome position (GRCh38, 1-based): chr9:98,756,532, C>T on the plus strand (G>A on the coding strand, the complement: ANKS6 is on the minus strand). VCF-style: chr9-98756532-C-T. GRCh37 (hg19) VCF-style: chr9-101518814-C-T.
Other names: c.2214G>A (NM_173551.4).
Identifiers: ClinVar variation 2041574 (VCV002041574.6), dbSNP rs199761692, ClinGen allele CA5153226.

ClinVar aggregate classification (germline): Likely benign. Review status: criteria provided, multiple submitters, no conflicts (2 of 4 stars). 3 submissions from 3 submitters: Likely benign (3). Last evaluated 2026-06-22.

Conditions:
Nephronophthisis 16 (NPHP16). Identifiers: Orphanet 655, MedGen C3809320, MONDO:0014158, OMIM 615382.
ANKS6-related disorder. Also called: ANKS6-related condition.

Allele frequency attached by ClinVar (database versions not stated): ExAC 0.00007; gnomAD exomes 0.00011; TOPMed 0.00013; gnomAD 0.00017; 1000 Genomes Project 0.00020; 1000 Genomes Project 30x 0.00031; ESP Exome Variant Server 0.00032.
gnomAD v4.1: 188 of 1,601,304 alleles (0.012%); highest among the groups gnomAD compares: Non-Finnish European, 0.014%; no homozygotes.

Submissions (3):

PreventionGenetics, part of Exact Sciences
Classification: Likely benign for ANKS6-related condition. Last evaluated: 2026-06-22. Review status: criteria provided, single submitter. Criteria: ACMG Guidelines, 2015. Collection method: clinical testing. Allele origin: germline.
Comment: This variant is classified as likely benign based on ACMG/AMP sequence variant interpretation guidelines (Richards et al. 2015 PMID: 25741868, with internal and published modifications).

Labcorp Genetics (formerly Invitae), Labcorp
Classification: Likely benign for Nephronophthisis 16. Last evaluated: 2025-09-05. Review status: criteria provided, single submitter. Criteria: Invitae Variant Classification Sherloc (09022015). Collection method: clinical testing. Allele origin: germline.

Blueprint Genetics
Classification: Likely benign. Last evaluated: 2024-11-01. Review status: criteria provided, single submitter. Criteria: ACMG Guidelines, 2015. Collection method: clinical testing. Allele origin: germline.